The following is an entry in ClinVar:

ClinVar aggregate classification (germline): Uncertain significance (1 of 4 stars; one submission).

Allele frequency attached by ClinVar (database versions not stated): TOPMed below 0.00001; ExAC 0.00001.
gnomAD v4.1: 10 of 1,612,798 alleles (0.00062%); highest among the groups gnomAD compares: Middle Eastern, 0.016%; no homozygotes.

Submissions (2):

Labcorp Genetics (formerly Invitae), Labcorp
Classification: Uncertain significance. Last evaluated: 2025-09-09. Review status: criteria provided, single submitter. Criteria: Invitae Variant Classification Sherloc (09022015). Collection method: clinical testing. Allele origin: germline.
Comment: This sequence change replaces alanine, which is neutral and non-polar, with valine, which is neutral and non-polar, at codon 431 of the CSF2RB protein (p.Ala431Val). The frequency data for this variant in the population databases is considered unreliable, as metrics indicate poor data quality at this position in the gnomAD database. This variant has not been reported in the literature in individuals affected with CSF2RB-related conditions. ClinVar contains an entry for this variant (Variation ID: 3010354). Invitae Evidence Modeling of protein sequence and biophysical properties (such as structural, functional, and spatial information, amino acid conservation, physicochemical variation, residue mobility, and thermodynamic stability) indicates that this missense variant is not expected to disrupt CSF2RB protein function with a negative predictive value of 80%. In summary, the available evidence is currently insufficient to determine the role of this variant in disease. Therefore, it has been classified as a Variant of Uncertain Significance.

Dr. Peter K. Rogan Lab, Western University
No classification provided (evidence only). Condition: Thyroid cancer, nonmedullary, 1. Review status: no classification provided. Collection method: in vitro. Allele origin: not applicable. Functional consequence: retained intron. Not counted in ClinVar's aggregate classification.

NM_000395.3(CSF2RB):c.1292C>T (p.Ala431Val)

Gene: CSF2RB (colony stimulating factor 2 receptor subunit beta; plus strand). Cytogenetic location: 22q12.3.
Variant type: single nucleotide variant.
Coding change: c.1292C>T on transcript NM_000395.3 (MANE Select); coding-DNA position 1292, C replaced by T.
Protein change: p.Ala431Val; replaces alanine 431 with valine.
Molecular consequence: missense variant.
Genome position (GRCh38, 1-based): chr22:36,933,971, C>T. VCF-style: chr22-36933971-C-T. GRCh37 (hg19) VCF-style: chr22-37330013-C-T.
Other names: c.1310C>T, p.Ala437Val (NM_001410827.1); short protein forms A431V, A437V.
Identifiers: ClinVar variation 3010354 (VCV003010354.4), dbSNP rs759452223, ClinGen allele CA10213765.
Genomic context (GRCh38, chr22:36,933,971, plus strand): 5'-GGGTGAGGGTCAGGACCTCCCGCACCGGCTACAACGGGATCTGGAGCGAGTGGAGTGAGG[C>T]GCGCTCCTGGGACACCGAGTCGGGTAGGTGAAGGCTGGAGTCCAGAGCTTCTGGCCAGGA-3'
Protein context (NP_000386.1, residues 421-441): YNGIWSEWSE[Ala431Val]RSWDTESVLP